The following is an entry in ClinVar:

NM_182914.3(SYNE2):c.241C>T (p.Arg81Trp)

Gene: SYNE2 (spectrin repeat containing nuclear envelope protein 2; plus strand). Cytogenetic location: 14q23.2.
Variant type: single nucleotide variant.
Coding change: c.241C>T on transcript NM_182914.3 (MANE Select); coding-DNA position 241, C replaced by T.
Protein change: p.Arg81Trp; replaces arginine 81 with tryptophan.
Molecular consequence: missense variant.
Genome position (GRCh38, 1-based): chr14:63,941,888, C>T. VCF-style: chr14-63941888-C-T. GRCh37 (hg19) VCF-style: chr14-64408606-C-T.
Other names: c.241C>T, p.Arg81Trp (NM_015180.6); short protein forms R81W.
Identifiers: ClinVar variation 999802 (VCV000999802.8), dbSNP rs964727357, ClinGen allele CA261795175.

ClinVar aggregate classification (germline): Uncertain significance (1 of 4 stars; one submission).

Conditions:
Emery-Dreifuss muscular dystrophy 5, autosomal dominant (EDMD5). Also called: EMERY-DREIFUSS MUSCULAR DYSTROPHY 5. Identifiers: Orphanet 261, MedGen C2751805, MONDO:0013072, OMIM 612999.

Allele frequency attached by ClinVar (database versions not stated): gnomAD exomes 0.00001; gnomAD 0.00002; TOPMed 0.00002.
gnomAD v4.1: 20 of 1,613,148 alleles (0.0012%); highest among the groups gnomAD compares: African/African-American, 0.0053%; no homozygotes.

Submission:

Labcorp Genetics (formerly Invitae), Labcorp
Classification: Uncertain significance for Emery-Dreifuss muscular dystrophy 5, autosomal dominant. Last evaluated: 2020-04-30. Review status: criteria provided, single submitter. Criteria: Invitae Variant Classification Sherloc (09022015). Collection method: clinical testing. Allele origin: germline.
Comment: This sequence change replaces arginine with tryptophan at codon 81 of the SYNE2 protein (p.Arg81Trp). The arginine residue is weakly conserved and there is a moderate physicochemical difference between arginine and tryptophan. This variant is not present in population databases (ExAC no frequency). This variant has not been reported in the literature in individuals with SYNE2-related conditions. Algorithms developed to predict the effect of missense changes on protein structure and function are either unavailable or do not agree on the potential impact of this missense change (SIFT: "Deleterious"; PolyPhen-2: "Probably Damaging"; Align-GVGD: "Class C0"). In summary, the available evidence is currently insufficient to determine the role of this variant in disease. Therefore, it has been classified as a Variant of Uncertain Significance.